The following is an entry in ClinVar:

NM_001378964.1(CDON):c.1817T>A (p.Leu606Gln)

Gene: CDON (cell adhesion associated, oncogene regulated; minus strand). Cytogenetic location: 11q24.2.
Variant type: single nucleotide variant.
Coding change: c.1817T>A on transcript NM_001378964.1 (MANE Select); coding-DNA position 1817, T replaced by A.
Protein change: p.Leu606Gln; replaces leucine 606 with glutamine.
Molecular consequence: missense variant.
Genome position (GRCh38, 1-based): chr11:126,005,793, A>T on the plus strand (T>A on the coding strand, the complement: CDON is on the minus strand). VCF-style: chr11-126005793-A-T. GRCh37 (hg19) VCF-style: chr11-125875688-A-T.
Other names: c.1817T>A, p.Leu606Gln (NM_001243597.3, NM_016952.6); short protein forms L606Q.
Identifiers: ClinVar variation 3368520 (VCV003368520.1).

ClinVar aggregate classification (germline): Uncertain significance (1 of 4 stars; one submission).

Submission:

GeneDx
Classification: Uncertain significance. Last evaluated: 2024-01-29. Review status: criteria provided, single submitter. Criteria: GeneDx Variant Classification Process June 2021. Collection method: clinical testing. Allele origin: germline. Affected: yes.
Comment: Not observed at significant frequency in large population cohorts (gnomAD); In silico analysis supports that this missense variant does not alter protein structure/function; Has not been previously published as pathogenic or benign to our knowledge